The following is an entry in ClinVar:

NM_000051.4(ATM):c.2165del (p.Leu722fs)

Gene: ATM (ATM serine/threonine kinase; plus strand). Cytogenetic location: 11q22.3.
Variant type: Deletion.
Coding change: c.2165del on transcript NM_000051.4 (MANE Select); coding-DNA position 2165, one base deleted (T; older notation c.2165delT).
Protein change: p.Leu722fs; shifts the reading frame from leucine 722.
Molecular consequence: frameshift variant.
Genome position (GRCh38, 1-based): chr11:108,256,255, T deleted; the last of 4 consecutive T bases (chr11:108,256,252-108,256,255); deleting any one gives the same sequence. VCF-style (leftmost placement, unchanged base first): chr11-108256251-CT-C. GRCh37 (hg19) VCF-style: chr11-108126978-CT-C.
Other names: c.2165del, p.Leu722fs (NM_001351834.2); short protein forms L722fs.
Identifiers: ClinVar variation 3653980 (VCV003653980.2).
Genomic context (GRCh38, chr11:108,256,251, plus strand): 5'-TTTTTATTTGTGGTTTACTTTAAGATTACAAATTCAGAAACTCTTGTCCGGTGTTCACGT[CT>C]TTTGGTGGGTGTCCTTGGCTGCTACTGTTACATGGGTGTAATAGCTGAAGAGGAAGCATA-3'

ClinVar aggregate classification (germline): Pathogenic (1 of 4 stars; one submission).

Conditions:
Ataxia-telangiectasia syndrome (AT). Also called: LOUIS-BAR SYNDROME; Cerebello-oculocutaneous telangiectasia; Immunodeficiency with ataxia telangiectasia; ATAXIA-TELANGIECTASIA, COMPLEMENTATION GROUP A; ATAXIA-TELANGIECTASIA, FRESNO VARIANT; Ataxia-telangiectasia, complementation group D. Identifiers: Orphanet 100, MedGen C0004135, MONDO:0008840, OMIM 208900.

Submission:

Labcorp Genetics (formerly Invitae), Labcorp
Classification: Pathogenic for Ataxia-telangiectasia syndrome. Last evaluated: 2024-05-21. Review status: criteria provided, single submitter. Criteria: Invitae Variant Classification Sherloc (09022015). Collection method: clinical testing. Allele origin: germline.
Comment: This sequence change creates a premature translational stop signal (p.Leu722Trpfs*13) in the ATM gene. It is expected to result in an absent or disrupted protein product. Loss-of-function variants in ATM are known to be pathogenic (PMID: 23807571, 25614872). This variant is not present in population databases (gnomAD no frequency). This variant has not been reported in the literature in individuals affected with ATM-related conditions. For these reasons, this variant has been classified as Pathogenic.

Literature cited by the submitters: PubMed 23807571; PubMed 25614872.